The following is an entry in ClinVar:

NM_000234.3(LIG1):c.548C>T (p.Thr183Met)

Gene: LIG1 (DNA ligase 1; minus strand). Cytogenetic location: 19q13.33.
Variant type: single nucleotide variant.
Coding change: c.548C>T on transcript NM_000234.3 (MANE Select); coding-DNA position 548, C replaced by T.
Protein change: p.Thr183Met; replaces threonine 183 with methionine.
Molecular consequence: missense variant. On other transcripts: non-coding transcript variant (6), intron variant (1).
Genome position (GRCh38, 1-based): chr19:48,151,258, G>A on the plus strand (C>T on the coding strand, the complement: LIG1 is on the minus strand). VCF-style: chr19-48151258-G-A. GRCh37 (hg19) VCF-style: chr19-48654515-G-A.
Other names: c.548C>T (NM_000234.1); c.455C>T, p.Thr152Met (NM_001289063.2); c.545C>T, p.Thr182Met (NM_001320970.2); c.458C>T, p.Thr153Met (NM_001320971.2); c.371-1048C>T (NM_001289064.2); short protein forms T182M, T183M, T153M, T152M.
Identifiers: ClinVar variation 1472204 (VCV001472204.6), dbSNP rs564476088, ClinGen allele CA9547247.

ClinVar aggregate classification (germline): Uncertain significance. Review status: criteria provided, multiple submitters, no conflicts (2 of 4 stars). 2 submissions from 2 submitters: Uncertain significance (2). Last evaluated 2025-09-15.

Allele frequency attached by ClinVar (database versions not stated): gnomAD 0.00002 and 0.00005; TOPMed 0.00003; ExAC 0.00007; 1000 Genomes Project 30x 0.00031; 1000 Genomes Project 0.00040.
gnomAD v4.1: 76 of 1,613,564 alleles (0.0047%); highest among the groups gnomAD compares: Middle Eastern, 0.033%; 1 homozygote.

Submissions (2):

Labcorp Genetics (formerly Invitae), Labcorp
Classification: Uncertain significance. Last evaluated: 2025-09-15. Review status: criteria provided, single submitter. Criteria: Invitae Variant Classification Sherloc (09022015). Collection method: clinical testing. Allele origin: germline.
Comment: This sequence change replaces threonine, which is neutral and polar, with methionine, which is neutral and non-polar, at codon 183 of the LIG1 protein (p.Thr183Met). This variant is present in population databases (rs564476088, gnomAD 0.02%), including at least one homozygous and/or hemizygous individual. This variant has not been reported in the literature in individuals affected with LIG1-related conditions. ClinVar contains an entry for this variant (Variation ID: 1472204). An algorithm developed to predict the effect of missense changes on protein structure and function outputs the following: PolyPhen-2: "Benign". The methionine amino acid residue is found in multiple mammalian species, which suggests that this missense change does not adversely affect protein function. In summary, the available evidence is currently insufficient to determine the role of this variant in disease. Therefore, it has been classified as a Variant of Uncertain Significance.

Ambry Genetics
Classification: Uncertain significance. Last evaluated: 2022-04-01. Review status: criteria provided, single submitter. Criteria: Ambry Variant Classification Scheme 2023. Collection method: clinical testing. Allele origin: germline.